The following is an entry in ClinVar:

ClinVar aggregate classification (germline): Uncertain significance (1 of 4 stars; one submission).

Conditions:
Hereditary cancer-predisposing syndrome. Also called: Neoplastic Syndromes, Hereditary; Tumor predisposition; Hereditary Cancer Syndrome; Hereditary neoplastic syndrome. Identifiers: Orphanet 140162, MedGen C0027672, MeSH D009386, MONDO:0015356.

gnomAD v4.1: 1 of 1,613,438 alleles (0.000062%); no homozygotes.

Submission:

Ambry Genetics
Classification: Uncertain significance for Hereditary cancer-predisposing syndrome. Last evaluated: 2024-10-12. Review status: criteria provided, single submitter. Criteria: Ambry Variant Classification Scheme 2023. Collection method: clinical testing. Allele origin: germline.
Comment: The p.M200T variant (also known as c.599T>C), located in coding exon 5 of the APC gene, results from a T to C substitution at nucleotide position 599. The methionine at codon 200 is replaced by threonine, an amino acid with similar properties. This amino acid position is conserved. In addition, in silico predictors for this gene do not accurately predict pathogenicity. Based on the available evidence, the clinical significance of this variant remains unclear.

NM_000038.6(APC):c.599T>C (p.Met200Thr)

Gene: APC (APC regulator of Wnt signaling pathway; plus strand). Cytogenetic location: 5q22.2.
Variant type: single nucleotide variant.
Coding change: c.599T>C on transcript NM_000038.6 (MANE Select); coding-DNA position 599, T replaced by C.
Protein change: p.Met200Thr; replaces methionine 200 with threonine.
Molecular consequence: missense variant. On other transcripts: 5 prime UTR variant (4), non-coding transcript variant (2).
Genome position (GRCh38, 1-based): chr5:112,780,857, T>C. VCF-style: chr5-112780857-T-C. GRCh37 (hg19) VCF-style: chr5-112116554-T-C.
Other names: c.599T>C, p.Met200Thr (NM_001127510.3, NM_001354895.2, NM_001354896.2 and 16 more transcripts); c.629T>C, p.Met210Thr (NM_001127511.3, NM_001354897.2, NM_001354902.2 and 1 more transcripts); c.524T>C, p.Met175Thr (NM_001354898.2, NM_001354904.2, NM_001407451.1); c.422T>C, p.Met141Thr (NM_001354900.2, NM_001354901.2, NM_001354905.2 and 1 more transcripts); c.-437T>C (NM_001354906.2, NM_001407470.1, NM_001407471.1 and 1 more transcripts); short protein forms M175T, M141T, M200T, M210T.
Identifiers: ClinVar variation 3411661 (VCV003411661.1).